The following is an entry in ClinVar:

NM_022041.4(GAN):c.918G>A (p.Trp306Ter)

Gene: GAN (gigaxonin; plus strand). Cytogenetic location: 16q23.2.
Variant type: single nucleotide variant.
Coding change: c.918G>A on transcript NM_022041.4 (MANE Select); coding-DNA position 918, G replaced by A.
Protein change: p.Trp306Ter; replaces tryptophan 306 with a stop codon.
Molecular consequence: nonsense.
Genome position (GRCh38, 1-based): chr16:81,357,876, G>A. VCF-style: chr16-81357876-G-A. GRCh37 (hg19) VCF-style: chr16-81391481-G-A.
Other names: c.279G>A, p.Trp93Ter (NM_001377486.1); short protein forms W306*, W93*.
Identifiers: ClinVar variation 1705527 (VCV001705527.1), dbSNP rs2507735349, ClinGen allele CA396873401.

ClinVar aggregate classification (germline): Likely pathogenic (1 of 4 stars; one submission).

Conditions:
Giant axonal neuropathy 1 (GAN1). Also called: GIANT AXONAL NEUROPATHY 1, AUTOSOMAL RECESSIVE; GAN-Related Neurodegeneration. Identifiers: Orphanet 643, MedGen C1850386, MONDO:0009749, OMIM 256850.

Submission:

3billion
Classification: Likely pathogenic for Giant axonal neuropathy 1. Last evaluated: 2022-09-01. Review status: criteria provided, single submitter. Criteria: ACMG Guidelines, 2015. Collection method: clinical testing. Allele origin: germline. Affected: yes. Observed: 1 homozygote.
Comment: The variant is not observed in the gnomAD v2.1.1 dataset. Stop-gained (nonsense) is predicted to result in a loss or disruption of normal protein function through nonsense-mediated decay (NMD) or protein truncation. Multiple pathogenic variants are reported downstream of the variant. Therefore, this variant is classified as Likely pathogenic according to the recommendation of ACMG/AMP guideline.